The following is an entry in ClinVar:

NM_024422.6(DSC2):c.721C>G (p.Pro241Ala)

Gene: DSC2 (desmocollin 2; minus strand). Cytogenetic location: 18q12.1.
Variant type: single nucleotide variant.
Coding change: c.721C>G on transcript NM_024422.6 (MANE Select); coding-DNA position 721, C replaced by G.
Protein change: p.Pro241Ala; replaces proline 241 with alanine.
Molecular consequence: missense variant.
Genome position (GRCh38, 1-based): chr18:31,087,723, G>C on the plus strand (C>G on the coding strand, the complement: DSC2 is on the minus strand). VCF-style: chr18-31087723-G-C. GRCh37 (hg19) VCF-style: chr18-28667686-G-C.
Other names: c.721C>G, p.Pro241Ala (NM_004949.5); short protein forms P241A.
Identifiers: ClinVar variation 1369730 (VCV001369730.8), dbSNP rs727505169, ClinGen allele CA402112788.

ClinVar aggregate classification (germline): Uncertain significance (1 of 4 stars; one submission).

Conditions:
Arrhythmogenic right ventricular dysplasia 11. Also called: Arrhythmogenic right ventricular dysplasia 11 with mild palmoplantar keratoderma and woolly hair; Arrhythmogenic Right Ventricular Dysplasia/Cardiomyopathy11; ARRHYTHMOGENIC RIGHT VENTRICULAR DYSPLASIA, FAMILIAL, 11. Identifiers: MedGen C1864850, MONDO:0012506, OMIM 610476.

Submission:

Labcorp Genetics (formerly Invitae), Labcorp
Classification: Uncertain significance for Arrhythmogenic right ventricular dysplasia 11. Last evaluated: 2021-02-03. Review status: criteria provided, single submitter. Criteria: Invitae Variant Classification Sherloc (09022015). Collection method: clinical testing. Allele origin: germline.
Comment: In summary, the available evidence is currently insufficient to determine the role of this variant in disease. Therefore, it has been classified as a Variant of Uncertain Significance. Algorithms developed to predict the effect of missense changes on protein structure and function (SIFT, PolyPhen-2, Align-GVGD) all suggest that this variant is likely to be disruptive, but these predictions have not been confirmed by published functional studies and their clinical significance is uncertain. This variant has not been reported in the literature in individuals with DSC2-related conditions. This variant is not present in population databases (ExAC no frequency). This sequence change replaces proline with alanine at codon 241 of the DSC2 protein (p.Pro241Ala). The proline residue is highly conserved and there is a small physicochemical difference between proline and alanine.